The following is an entry in ClinVar:

ClinVar aggregate classification (germline): Likely benign (1 of 4 stars; one submission).

Allele frequency attached by ClinVar (database versions not stated): 1000 Genomes Project 0.00459; 1000 Genomes Project 30x 0.00484; TOPMed 0.00630; gnomAD 0.00848 and 0.00867.
gnomAD v4.1: 1,273 of 152,222 alleles (0.84%); highest among the groups gnomAD compares: Non-Finnish European, 1.2%; 15 homozygotes.

Submission:

GeneDx
Classification: Likely benign. Last evaluated: 2018-06-19. Review status: criteria provided, single submitter. Criteria: GeneDx Variant Classification (06012015). Collection method: clinical testing. Allele origin: germline. Affected: yes.
Comment: This variant is considered likely benign or benign based on one or more of the following criteria: it is a conservative change, it occurs at a poorly conserved position in the protein, it is predicted to be benign by multiple in silico algorithms, and/or has population frequency not consistent with disease.

NM_002474.3(MYH11):c.2412-267T>C

Gene: MYH11 (myosin heavy chain 11; minus strand). Cytogenetic location: 16p13.11.
Variant type: single nucleotide variant.
Coding change: c.2412-267T>C on transcript NM_002474.3 (MANE Select); 267 bases into the intron before coding-DNA position 2412, T replaced by C.
Molecular consequence: intron variant.
Genome position (GRCh38, 1-based): chr16:15,745,504, A>G on the plus strand (T>C on the coding strand, the complement: MYH11 is on the minus strand). VCF-style: chr16-15745504-A-G. GRCh37 (hg19) VCF-style: chr16-15839361-A-G.
Other names: c.2412-267T>C (NM_022844.3); c.2433-267T>C (NM_001040114.2, NM_001040113.2).
Identifiers: ClinVar variation 669678 (VCV000669678.1), dbSNP rs181552616, ClinGen allele CA278634341.
Genomic context (GRCh38, chr16:15,745,504, plus strand): 5'-AGGAAGACCCAGGGCTCACAACATGCCCTGGACTTAGCTGAGATCCAAACACCACTCAGA[A>G]AACACAACTATGTGCATCATTCCTAAGGGGGCTCCCGTACTCCCCAGCTGCACTAGCTGT-3'